The following is an entry in ClinVar:

NM_002582.4(PARN):c.1840A>G (p.Met614Val)

Gene: PARN (poly(A)-specific ribonuclease; minus strand). Cytogenetic location: 16p13.12.
Variant type: single nucleotide variant.
Coding change: c.1840A>G on transcript NM_002582.4 (MANE Select); coding-DNA position 1840, A replaced by G.
Protein change: p.Met614Val; replaces methionine 614 with valine.
Molecular consequence: missense variant.
Genome position (GRCh38, 1-based): chr16:14,446,912, T>C on the plus strand (A>G on the coding strand, the complement: PARN is on the minus strand). VCF-style: chr16-14446912-T-C. GRCh37 (hg19) VCF-style: chr16-14540769-T-C.
Other names: c.1657A>G, p.Met553Val (NM_001134477.3); c.1702A>G, p.Met568Val (NM_001242992.2); short protein forms M568V, M553V, M614V.
Identifiers: ClinVar variation 2944057 (VCV002944057.3), dbSNP rs2506558657, ClinGen allele CA395184254.

ClinVar aggregate classification (germline): Uncertain significance (1 of 4 stars; one submission).

Conditions:
Pulmonary fibrosis and/or bone marrow failure, Telomere-related, 4. Also called: PULMONARY FIBROSIS AND/OR BONE MARROW FAILURE SYNDROME, TELOMERE-RELATED, 4. Identifiers: Orphanet 2032, MedGen C4225347, MONDO:0014612, OMIM 616371.
Dyskeratosis congenita, autosomal recessive 6 (DKCB6). Identifiers: MedGen C4225356, MONDO:0014600, OMIM 616353.

Submission:

Labcorp Genetics (formerly Invitae), Labcorp
Classification: Uncertain significance for Dyskeratosis congenita, autosomal recessive 6; Pulmonary fibrosis and/or bone marrow failure, Telomere-related, 4. Last evaluated: 2023-02-08. Review status: criteria provided, single submitter. Criteria: Invitae Variant Classification Sherloc (09022015). Collection method: clinical testing. Allele origin: germline.
Comment: In summary, the available evidence is currently insufficient to determine the role of this variant in disease. Therefore, it has been classified as a Variant of Uncertain Significance. Algorithms developed to predict the effect of missense changes on protein structure and function (SIFT, PolyPhen-2, Align-GVGD) all suggest that this variant is likely to be tolerated. This variant has not been reported in the literature in individuals affected with PARN-related conditions. This variant is not present in population databases (gnomAD no frequency). This sequence change replaces methionine, which is neutral and non-polar, with valine, which is neutral and non-polar, at codon 614 of the PARN protein (p.Met614Val).